The following is an entry in ClinVar:

ClinVar aggregate classification (germline): Uncertain significance (0 of 4 stars; one submission).

Conditions:
CHRNB2-related disorder. Also called: CHRNB2-related condition.

gnomAD v4.1: 7 of 1,614,200 alleles (0.00043%); highest among the groups gnomAD compares: Non-Finnish European, 0.00051%; no homozygotes.

Submission:

PreventionGenetics, part of Exact Sciences
Classification: Uncertain significance for CHRNB2-related condition. Last evaluated: 2023-11-20. Review status: no assertion criteria provided. Collection method: clinical testing. Allele origin: germline.
Comment: The CHRNB2 c.539G>T variant is predicted to result in the amino acid substitution p.Arg180Leu. To our knowledge, this variant has not been reported in the literature or in a large population database, indicating this variant is rare. At this time, the clinical significance of this variant is uncertain due to the absence of conclusive functional and genetic evidence.

NM_000748.3(CHRNB2):c.539G>T (p.Arg180Leu)

Gene: CHRNB2 (cholinergic receptor nicotinic beta 2 subunit; plus strand). Cytogenetic location: 1q21.3.
Variant type: single nucleotide variant.
Coding change: c.539G>T on transcript NM_000748.3 (MANE Select); coding-DNA position 539, G replaced by T.
Protein change: p.Arg180Leu; replaces arginine 180 with leucine.
Molecular consequence: missense variant.
Genome position (GRCh38, 1-based): chr1:154,571,362, G>T. VCF-style: chr1-154571362-G-T. GRCh37 (hg19) VCF-style: chr1-154543838-G-T.
Other names: short protein forms R180L.
Identifiers: ClinVar variation 3051103 (VCV003051103.2), dbSNP rs768297928, ClinGen allele CA342630265.